The following is an entry in ClinVar:

ClinVar aggregate classification (germline): Likely pathogenic (1 of 4 stars; one submission).

Conditions:
Episodic ataxia type 2 (EA2). Also called: ATAXIA, EPISODIC, WITH NYSTAGMUS; ATAXIA, FAMILIAL PAROXYSMAL; ACETAZOLAMIDE-RESPONSIVE HEREDITARY PAROXYSMAL CEREBELLAR ATAXIA; CEREBELLAR ATAXIA, PAROXYSMAL, ACETAZOLAMIDE-RESPONSIVE; CEREBELLOPATHY, HEREDITARY PAROXYSMAL; EPISODIC ATAXIA, NYSTAGMUS-ASSOCIATED. Identifiers: Orphanet 97, MedGen C1720416, MONDO:0007163, OMIM 108500.
Developmental and epileptic encephalopathy, 42 (DEE42A). Also called: Epileptic encephalopathy, early infantile, 42; DEVELOPMENTAL AND EPILEPTIC ENCEPHALOPATHY 42A; EPILEPTIC ENCEPHALOPATHY, EARLY INFANTILE, 42A. Identifiers: MedGen C4310716, MONDO:0014917, OMIM 617106.

Submission:

Labcorp Genetics (formerly Invitae), Labcorp
Classification: Likely pathogenic for Developmental and epileptic encephalopathy, 42; Episodic ataxia type 2. Last evaluated: 2024-07-31. Review status: criteria provided, single submitter. Criteria: Invitae Variant Classification Sherloc (09022015). Collection method: clinical testing. Allele origin: germline.
Comment: This sequence change affects a donor splice site in intron 38 of the CACNA1A gene. It is expected to disrupt RNA splicing. Variants that disrupt the donor or acceptor splice site typically lead to a loss of protein function (PMID: 16199547), and loss-of-function variants in CACNA1A are known to be pathogenic (PMID: 10371528, 19486177, 25735478, 27250579). This variant is not present in population databases (gnomAD no frequency). This variant has not been reported in the literature in individuals affected with CACNA1A-related conditions. Algorithms developed to predict the effect of sequence changes on RNA splicing suggest that this variant may disrupt the consensus splice site. In summary, the currently available evidence indicates that the variant is pathogenic, but additional data are needed to prove that conclusively. Therefore, this variant has been classified as Likely Pathogenic.

Literature cited by the submitters: PubMed 16199547; PubMed 10371528; PubMed 19486177; PubMed 25735478; PubMed 27250579.

NM_001127222.2(CACNA1A):c.5731+1G>C

Gene: CACNA1A (calcium voltage-gated channel subunit alpha1 A; minus strand). Cytogenetic location: 19p13.13.
Variant type: single nucleotide variant.
Coding change: c.5731+1G>C on transcript NM_001127222.2 (MANE Select); the canonical splice donor site of the intron after coding-DNA position 5731, G replaced by C.
Molecular consequence: splice donor variant.
Genome position (GRCh38, 1-based): chr19:13,224,666, C>G on the plus strand (G>C on the coding strand, the complement: CACNA1A is on the minus strand). VCF-style: chr19-13224666-C-G. GRCh37 (hg19) VCF-style: chr19-13335480-C-G.
Other names: c.5734+1G>C (NM_001127221.2); c.5740+1G>C (NM_001174080.2); c.5749+1G>C (NM_000068.4, NM_023035.3).
Identifiers: ClinVar variation 3757371 (VCV003757371.2).
Genomic context (GRCh38, chr19:13,224,666, plus strand): 5'-AGGGAGATCCCCGGTTCCACCCTGTCACGCCTGTCTGTGCCCGCCCCTGTCCCTTCCTTA[C>G]CCTTGGCAATCTTGATGTCCAGGGCTGTGCGGATCAGAGCCATGAGGGTGGAATTGAAGT-3'